The following is an entry in ClinVar:

NM_000256.3(MYBPC3):c.2621C>A (p.Thr874Asn)

Gene: MYBPC3 (myosin binding protein C3; minus strand). Cytogenetic location: 11p11.2.
Variant type: single nucleotide variant.
Coding change: c.2621C>A on transcript NM_000256.3 (MANE Select); coding-DNA position 2621, C replaced by A.
Protein change: p.Thr874Asn; replaces threonine 874 with asparagine.
Molecular consequence: missense variant.
Genome position (GRCh38, 1-based): chr11:47,335,993, G>T on the plus strand (C>A on the coding strand, the complement: MYBPC3 is on the minus strand). VCF-style: chr11-47335993-G-T. GRCh37 (hg19) VCF-style: chr11-47357544-G-T.
Other names: short protein forms T874N.
Identifiers: ClinVar variation 3069282 (VCV003069282.4), dbSNP rs759847861, ClinGen allele CA380317431.
Genomic context (GRCh38, chr11:47,335,993, plus strand): 5'-TCTGGGGGCCGCCACTTGAGGGAGACCGTGGTGTCAGAGACGTCCTCTACTGCCAGGTGG[G>T]TGGGTTCGCTGGGGGGACCTGGGCAGAGGAGAGGTCAGAGAGGGGTCTGAGCAAGCCTGG-3'
Protein context (NP_000247.2, residues 864-884): FMPIGPPSEP[Thr874Asn]HLAVEDVSDT

ClinVar aggregate classification (germline): Uncertain significance. Review status: criteria provided, multiple submitters, no conflicts (2 of 4 stars). 3 submissions from 3 submitters: Uncertain significance (3). Last evaluated 2026-03-12.

Conditions:
Cardiovascular phenotype. Identifiers: MedGen CN230736.
Hypertrophic cardiomyopathy. Also called: HYPERTROPHIC MYOCARDIOPATHY. Identifiers: Orphanet 217569, MedGen C0007194, MeSH D002312, MONDO:0005045, HP:0001639.

Submissions (3):

Ambry Genetics
Classification: Uncertain significance for Cardiovascular phenotype. Last evaluated: 2026-03-12. Review status: criteria provided, single submitter. Criteria: Ambry Variant Classification Scheme 2023. Collection method: clinical testing. Allele origin: germline.
Comment: The p.T874N variant (also known as c.2621C>A), located in coding exon 26 of the MYBPC3 gene, results from a C to A substitution at nucleotide position 2621. The threonine at codon 874 is replaced by asparagine, an amino acid with similar properties. This amino acid position is conserved. In addition, this alteration is predicted to be tolerated by in silico analysis. Based on the available evidence, the clinical significance of this variant remains unclear.

Labcorp Genetics (formerly Invitae), Labcorp
Classification: Uncertain significance for Hypertrophic cardiomyopathy. Last evaluated: 2024-06-04. Review status: criteria provided, single submitter. Criteria: Invitae Variant Classification Sherloc (09022015). Collection method: clinical testing. Allele origin: germline.
Comment: This sequence change replaces threonine, which is neutral and polar, with asparagine, which is neutral and polar, at codon 874 of the MYBPC3 protein (p.Thr874Asn). This variant is not present in population databases (gnomAD no frequency). This variant has not been reported in the literature in individuals affected with MYBPC3-related conditions. An algorithm developed to predict the effect of missense changes on protein structure and function (PolyPhen-2) suggests that this variant is likely to be disruptive. In summary, the available evidence is currently insufficient to determine the role of this variant in disease. Therefore, it has been classified as a Variant of Uncertain Significance.

All of Us Research Program, National Institutes of Health
Classification: Uncertain significance for Hypertrophic cardiomyopathy. Last evaluated: 2023-04-27. Review status: criteria provided, single submitter. Criteria: ACMG Guidelines, 2015. Collection method: clinical testing. Allele origin: germline. Inheritance: Autosomal dominant inheritance. Observed: 1 variant allele, 1 heterozygote.
Comment: This study involves interpretation of variants in research participants for the purpose of population health screening. Participant phenotype was not available at the time of variant classification. Additional details can be found in publication PMID: 35346344, PMCID: PMC8962531